The following is an entry in ClinVar:

NM_024529.5(CDC73):c.693G>C (p.Trp231Cys)

Gene: CDC73 (cell division cycle 73; plus strand). Cytogenetic location: 1q31.2.
Variant type: single nucleotide variant.
Coding change: c.693G>C on transcript NM_024529.5 (MANE Select); coding-DNA position 693, G replaced by C.
Protein change: p.Trp231Cys; replaces tryptophan 231 with cysteine.
Molecular consequence: missense variant.
Genome position (GRCh38, 1-based): chr1:193,142,030, G>C. VCF-style: chr1-193142030-G-C. GRCh37 (hg19) VCF-style: chr1-193111160-G-C.
Other names: short protein forms W231C.
Identifiers: ClinVar variation 4842634 (VCV004842634.1).

ClinVar aggregate classification (germline): Uncertain significance (1 of 4 stars; one submission).

Conditions:
Hereditary cancer-predisposing syndrome. Also called: Neoplastic Syndromes, Hereditary; Tumor predisposition; Hereditary Cancer Syndrome; Hereditary neoplastic syndrome. Identifiers: Orphanet 140162, MedGen C0027672, MeSH D009386, MONDO:0015356.

Submission:

Ambry Genetics
Classification: Uncertain significance for Hereditary cancer-predisposing syndrome. Last evaluated: 2025-12-22. Review status: criteria provided, single submitter. Criteria: Ambry Variant Classification Scheme 2023. Collection method: clinical testing. Allele origin: germline.
Comment: The p.W231C variant (also known as c.693G>C), located in coding exon 7 of the CDC73 gene, results from a G to C substitution at nucleotide position 693. The tryptophan at codon 231 is replaced by cysteine, an amino acid with highly dissimilar properties. This amino acid position is conserved. In addition, this alteration is predicted to be deleterious by in silico analysis. Based on the available evidence, the clinical significance of this variant remains unclear.